The following is an entry in ClinVar:

ClinVar aggregate classification (germline): Uncertain significance. Review status: criteria provided, multiple submitters, no conflicts (2 of 4 stars). 2 submissions from 2 submitters: Uncertain significance (2). Last evaluated 2024-05-20.

Conditions:
Inborn genetic diseases. Identifiers: MedGen C0950123, MeSH D030342.

Submissions (2):

Ambry Genetics
Classification: Uncertain significance for Inborn genetic diseases. Last evaluated: 2024-05-20. Review status: criteria provided, single submitter. Criteria: Ambry Variant Classification Scheme 2023. Collection method: clinical testing. Allele origin: germline.

Women's Health and Genetics/Laboratory Corporation of America, LabCorp
Classification: Uncertain significance. Last evaluated: 2022-06-02. Review status: criteria provided, single submitter. Criteria: LabCorp Variant Classification Summary - May 2015. Collection method: clinical testing. Allele origin: germline.
Comment: Variant summary: NOTCH2 c.4202A>G (p.Gln1401Arg) results in a conservative amino acid change located in the EGF-like domain (IPR000742) of the encoded protein sequence. Five of five in-silico tools predict a benign effect of the variant on protein function. The variant was absent in 250132 control chromosomes. The available data on variant occurrences in the general population are insufficient to allow any conclusion about variant significance. To our knowledge, no occurrence of c.4202A>G in individuals affected with Hajdu-Cheney Syndrome and no experimental evidence demonstrating its impact on protein function have been reported. No clinical diagnostic laboratories have submitted clinical-significance assessments for this variant to ClinVar after 2014. Based on the evidence outlined above, the variant was classified as uncertain significance.

NM_024408.4(NOTCH2):c.4202A>G (p.Gln1401Arg)

Gene: NOTCH2 (notch receptor 2; minus strand). Cytogenetic location: 1p12.
Variant type: single nucleotide variant.
Coding change: c.4202A>G on transcript NM_024408.4 (MANE Select); coding-DNA position 4202, A replaced by G.
Protein change: p.Gln1401Arg; replaces glutamine 1401 with arginine.
Molecular consequence: missense variant.
Genome position (GRCh38, 1-based): chr1:119,925,614, T>C on the plus strand (A>G on the coding strand, the complement: NOTCH2 is on the minus strand). VCF-style: chr1-119925614-T-C. GRCh37 (hg19) VCF-style: chr1-120468237-T-C.
Other names: short protein forms Q1401R.
Identifiers: ClinVar variation 1698674 (VCV001698674.2), dbSNP rs2101162597, ClinGen allele CA341890448.